The following is an entry in ClinVar:

NM_170606.3(KMT2C):c.10957C>T (p.Pro3653Ser)

Gene: KMT2C (lysine methyltransferase 2C; minus strand). Cytogenetic location: 7q36.1.
Variant type: single nucleotide variant.
Coding change: c.10957C>T on transcript NM_170606.3 (MANE Select); coding-DNA position 10957, C replaced by T.
Protein change: p.Pro3653Ser; replaces proline 3653 with serine.
Molecular consequence: missense variant.
Genome position (GRCh38, 1-based): chr7:152,162,620, G>A on the plus strand (C>T on the coding strand, the complement: KMT2C is on the minus strand). VCF-style: chr7-152162620-G-A. GRCh37 (hg19) VCF-style: chr7-151859705-G-A.
Other names: short protein forms P3653S.
Identifiers: ClinVar variation 1176252 (VCV001176252.43), dbSNP rs771311951, ClinGen allele CA4579201.
Genomic context (GRCh38, chr7:152,162,620, plus strand): 5'-CTGCCATATTGGGAGTGGATGGGCCGACTGGTTCCACCGACTCTTGGTCGGCTTGTTGAG[G>A]AAGCTCACTGGGTGTGCTCACTGCAGGAGTAGAGGTAGTTTCTGAGATGCCTGGAGTCGG-3'
Protein context (NP_733751.2, residues 3643-3663): TPAVSTPSEL[Pro3653Ser]QQADQESVEP

ClinVar aggregate classification (germline): Likely benign. Review status: criteria provided, multiple submitters, no conflicts (2 of 4 stars). 3 submissions from 3 submitters: Likely benign (3). Last evaluated 2026-07-01.

Allele frequency attached by ClinVar (database versions not stated): ExAC 0.00002; gnomAD 0.00002 and 0.00003; TOPMed 0.00002; gnomAD exomes 0.00004 and 0.00005.
gnomAD v4.1: 82 of 1,614,260 alleles (0.0051%); highest among the groups gnomAD compares: Middle Eastern, 0.38%; 1 homozygote.

Submissions (3):

CeGaT Center for Human Genetics Tuebingen
Classification: Likely benign. Last evaluated: 2026-07-01. Review status: criteria provided, single submitter. Criteria: CeGaT Center For Human Genetics Tuebingen Variant Classification Criteria Version 2. Collection method: clinical testing. Allele origin: germline. Affected: yes. Observed: 2 variant alleles.
Comment: KMT2C: BP4

Blueprint Genetics
Classification: Likely benign. Last evaluated: 2024-11-12. Review status: criteria provided, single submitter. Criteria: ACMG Guidelines, 2015. Collection method: clinical testing. Allele origin: germline.

Labcorp Genetics (formerly Invitae), Labcorp
Classification: Likely benign. Last evaluated: 2022-07-06. Review status: criteria provided, single submitter. Criteria: Invitae Variant Classification Sherloc (09022015). Collection method: clinical testing. Allele origin: germline.